The following is an entry in ClinVar:

ClinVar aggregate classification (germline): Uncertain significance. Review status: criteria provided, multiple submitters, no conflicts (2 of 4 stars). 4 submissions from 4 submitters: Uncertain significance (3). 1 of the submissions does not count toward it. Last evaluated 2025-04-14.

Conditions:
SAMD9L-related disorder. Also called: SAMD9L-related condition; SAMD9L-related disorders.
Inborn genetic diseases. Identifiers: MedGen C0950123, MeSH D030342.

Allele frequency attached by ClinVar (database versions not stated): ExAC 0.00001; gnomAD 0.00001; gnomAD exomes 0.00001; TOPMed 0.00001; ESP Exome Variant Server 0.00008.
gnomAD v4.1: 1 of 1,613,844 alleles (0.000062%); highest among the groups gnomAD compares: African/African-American, 0.0013%; no homozygotes.

Submissions (4):

Labcorp Genetics (formerly Invitae), Labcorp
Classification: Uncertain significance. Last evaluated: 2025-04-14. Review status: criteria provided, single submitter. Criteria: Invitae Variant Classification Sherloc (09022015). Collection method: clinical testing. Allele origin: germline.
Comment: This sequence change replaces tyrosine, which is neutral and polar, with cysteine, which is neutral and slightly polar, at codon 1192 of the SAMD9L protein (p.Tyr1192Cys). This variant is present in population databases (rs372003012, gnomAD 0.004%). This variant has not been reported in the literature in individuals affected with SAMD9L-related conditions. ClinVar contains an entry for this variant (Variation ID: 1318537). Invitae Evidence Modeling of protein sequence and biophysical properties (such as structural, functional, and spatial information, amino acid conservation, physicochemical variation, residue mobility, and thermodynamic stability) indicates that this missense variant is expected to disrupt SAMD9L protein function with a positive predictive value of 80%. In summary, the available evidence is currently insufficient to determine the role of this variant in disease. Therefore, it has been classified as a Variant of Uncertain Significance.

Ambry Genetics
Classification: Uncertain significance for Inborn genetic diseases. Last evaluated: 2024-10-04. Review status: criteria provided, single submitter. Criteria: Ambry Variant Classification Scheme 2023. Collection method: clinical testing. Allele origin: germline.
Comment: The p.Y1192C variant (also known as c.3575A>G), located in coding exon 1 of the SAMD9L gene, results from an A to G substitution at nucleotide position 3575. The tyrosine at codon 1192 is replaced by cysteine, an amino acid with highly dissimilar properties. This amino acid position is conserved. In addition, this alteration is predicted to be tolerated by in silico analysis. Based on the available evidence, the clinical significance of this variant remains unclear.

GeneDx
Classification: Uncertain significance. Last evaluated: 2019-04-23. Review status: criteria provided, single submitter. Criteria: GeneDx Variant Classification Process June 2021. Collection method: clinical testing. Allele origin: germline. Affected: yes.
Comment: Has not been previously published as pathogenic or benign to our knowledge; In silico analysis, which includes protein predictors and evolutionary conservation, supports a deleterious effect

PreventionGenetics, part of Exact Sciences
Classification: Uncertain significance for SAMD9L-related condition. Last evaluated: 2024-07-17. Review status: no assertion criteria provided. Collection method: clinical testing. Allele origin: germline. Not counted in ClinVar's aggregate classification.
Comment: The SAMD9L c.3575A>G variant is predicted to result in the amino acid substitution p.Tyr1192Cys. To our knowledge, this variant has not been reported in the literature. This variant is reported in 0.0040% of alleles in individuals of African descent in gnomAD. At this time, the clinical significance of this variant is uncertain due to the absence of conclusive functional and genetic evidence.

NM_152703.5(SAMD9L):c.3575A>G (p.Tyr1192Cys)

Gene: SAMD9L (sterile alpha motif domain containing 9 like; minus strand). Cytogenetic location: 7q21.2.
Variant type: single nucleotide variant.
Coding change: c.3575A>G on transcript NM_152703.5 (MANE Select); coding-DNA position 3575, A replaced by G.
Protein change: p.Tyr1192Cys; replaces tyrosine 1192 with cysteine.
Molecular consequence: missense variant.
Genome position (GRCh38, 1-based): chr7:93,132,397, T>C on the plus strand (A>G on the coding strand, the complement: SAMD9L is on the minus strand). VCF-style: chr7-93132397-T-C. GRCh37 (hg19) VCF-style: chr7-92761710-T-C.
Other names: c.3575A>G, p.Tyr1192Cys (NM_001303496.3, NM_001303497.3, NM_001303498.3 and 5 more transcripts); c.3575A>G (NM_152703.2); short protein forms Y1192C.
Identifiers: ClinVar variation 1318537 (VCV001318537.10), dbSNP rs372003012, ClinGen allele CA4343431.
Genomic context (GRCh38, chr7:93,132,397, plus strand): 5'-TGAAGAATCTGGATAGTGTAAAGACCAACTTCTATTTCACCCAAGAAACAAGCTGTGTTA[T>C]ACATGTCATATCGTCTCTGGGACTTCTGTGGTGACCAGTTCTCGGTTTCATAGTTTTTAC-3'
Protein context (NP_689916.2, residues 1182-1202): PQKSQRRYDM[Tyr1192Cys]NTACFLGEIE